The following is an entry in ClinVar:

ClinVar aggregate classification (germline): Uncertain significance. Review status: criteria provided, multiple submitters, no conflicts (2 of 4 stars). 2 submissions from 2 submitters: Uncertain significance (2). Last evaluated 2024-11-15.

Conditions:
Dyskeratosis congenita, autosomal dominant 6 (DKCA6). Identifiers: Orphanet 3322, MedGen C4225284, MONDO:0014690, OMIM 616553.
Inborn genetic diseases. Identifiers: MedGen C0950123, MeSH D030342.

Allele frequency attached by ClinVar (database versions not stated): TOPMed 0.00001.

Submissions (2):

Ambry Genetics
Classification: Uncertain significance for Inborn genetic diseases. Last evaluated: 2024-11-15. Review status: criteria provided, single submitter. Criteria: Ambry Variant Classification Scheme 2023. Collection method: clinical testing. Allele origin: germline.
Comment: The p.T25S variant (also known as c.74C>G), located in coding exon 1 of the ACD gene, results from a C to G substitution at nucleotide position 74. The threonine at codon 25 is replaced by serine, an amino acid with similar properties. This amino acid position is conserved. In addition, this alteration is predicted to be tolerated by in silico analysis. Since supporting evidence is limited at this time, the clinical significance of this alteration remains unclear.

Labcorp Genetics (formerly Invitae), Labcorp
Classification: Uncertain significance for Dyskeratosis congenita, autosomal dominant 6. Last evaluated: 2023-11-06. Review status: criteria provided, single submitter. Criteria: Invitae Variant Classification Sherloc (09022015). Collection method: clinical testing. Allele origin: germline.
Comment: This sequence change replaces threonine, which is neutral and polar, with serine, which is neutral and polar, at codon 25 of the ACD protein (p.Thr25Ser). This variant is not present in population databases (gnomAD no frequency). This variant has not been reported in the literature in individuals affected with ACD-related conditions. ClinVar contains an entry for this variant (Variation ID: 1407947). An algorithm developed to predict the effect of missense changes on protein structure and function (PolyPhen-2) suggests that this variant is likely to be tolerated. In summary, the available evidence is currently insufficient to determine the role of this variant in disease. Therefore, it has been classified as a Variant of Uncertain Significance.

NC_000016.10:g.67660405G>C

Genes: ACD (ACD shelterin complex subunit and telomerase recruitment factor; minus strand), LOC130059224 (ATAC-STARR-seq lymphoblastoid silent region 7617; plus strand). Cytogenetic location: 16q22.1.
Variant type: single nucleotide variant.
Genome position: GRCh38 VCF-style: chr16-67660405-G-C. GRCh37 (hg19) VCF-style: chr16-67694308-G-C.
Other names: short protein forms T25S.
Identifiers: ClinVar variation 1407947 (VCV001407947.10), dbSNP rs1237579301, ClinGen allele CA396359932.